The following is an entry in ClinVar:

NM_001005242.3(PKP2):c.985A>T (p.Ser329Cys)

Gene: PKP2 (plakophilin 2; minus strand). Cytogenetic location: 12p11.21.
Variant type: single nucleotide variant.
Coding change: c.985A>T on transcript NM_001005242.3 (MANE Select); coding-DNA position 985, A replaced by T.
Protein change: p.Ser329Cys; replaces serine 329 with cysteine.
Molecular consequence: missense variant.
Genome position (GRCh38, 1-based): chr12:32,877,895, T>A on the plus strand (A>T on the coding strand, the complement: PKP2 is on the minus strand). VCF-style: chr12-32877895-T-A. GRCh37 (hg19) VCF-style: chr12-33030829-T-A.
Other names: c.985A>T, p.Ser329Cys (NM_004572.4); short protein forms S329C.
Identifiers: ClinVar variation 853504 (VCV000853504.18), dbSNP rs779173447, ClinGen allele CA039897.

ClinVar aggregate classification (germline): Uncertain significance. Review status: criteria provided, multiple submitters, no conflicts (2 of 4 stars). 5 submissions from 5 submitters: Uncertain significance (5). Last evaluated 2025-07-24.

Conditions:
Cardiovascular phenotype. Identifiers: MedGen CN230736.
Arrhythmogenic right ventricular cardiomyopathy (ARVD). Also called: Cardiomyopathy, ARVC; Arrhythmogenic right ventricular dysplasia; Arrhythmogenic cardiomyopathy; Arrhythmogenic Right Ventricular Cardiomyopathy (ARVC). Identifiers: Orphanet 247, MedGen C0349788, MeSH D019571, MONDO:0016587. Disease mechanism: loss of function. Inheritance: Various modes of inheritance.
Cardiomyopathy (CMYO). Also called: Cardiomyopathies. Identifiers: Orphanet 167848, MedGen C0878544, MONDO:0004994, HP:0001638. Inheritance: Various modes of inheritance.
Arrhythmogenic right ventricular dysplasia 9 (ARVD9). Also called: Arrhythmogenic Right Ventricular Dysplasia/Cardiomyopathy 9; ARRHYTHMOGENIC RIGHT VENTRICULAR DYSPLASIA, FAMILIAL, 9. Identifiers: MedGen C1836906, MONDO:0012180, OMIM 609040.

Allele frequency attached by ClinVar (database versions not stated): TOPMed 0.00002; 1000 Genomes Project 30x 0.00016.
gnomAD v4.1: 45 of 1,614,152 alleles (0.0028%); highest among the groups gnomAD compares: Non-Finnish European, 0.0032%; no homozygotes.

Submissions (5):

GeneDx
Classification: Uncertain significance. Last evaluated: 2025-07-24. Review status: criteria provided, single submitter. Criteria: GeneDx Variant Classification Process June 2021. Collection method: clinical testing. Allele origin: germline. Affected: yes.
Comment: In silico analysis suggests that this missense variant does not alter protein structure/function; Has not been previously published as pathogenic or benign to our knowledge

Ambry Genetics
Classification: Uncertain significance for Cardiovascular phenotype. Last evaluated: 2025-02-09. Review status: criteria provided, single submitter. Criteria: Ambry Variant Classification Scheme 2023. Collection method: clinical testing. Allele origin: germline.
Comment: The p.S329C variant (also known as c.985A>T), located in coding exon 3 of the PKP2 gene, results from an A to T substitution at nucleotide position 985. The serine at codon 329 is replaced by cysteine, an amino acid with dissimilar properties. This amino acid position is conserved. In addition, this alteration is predicted to be tolerated by in silico analysis. Based on the available evidence, the clinical significance of this variant remains unclear.

Labcorp Genetics (formerly Invitae), Labcorp
Classification: Uncertain significance for Arrhythmogenic right ventricular dysplasia 9. Last evaluated: 2024-08-13. Review status: criteria provided, single submitter. Criteria: Invitae Variant Classification Sherloc (09022015). Collection method: clinical testing. Allele origin: germline.
Comment: This sequence change replaces serine, which is neutral and polar, with cysteine, which is neutral and slightly polar, at codon 329 of the PKP2 protein (p.Ser329Cys). This variant is present in population databases (rs779173447, gnomAD 0.01%). This variant has not been reported in the literature in individuals affected with PKP2-related conditions. ClinVar contains an entry for this variant (Variation ID: 853504). An algorithm developed to predict the effect of missense changes on protein structure and function (PolyPhen-2) suggests that this variant is likely to be disruptive. In summary, the available evidence is currently insufficient to determine the role of this variant in disease. Therefore, it has been classified as a Variant of Uncertain Significance.

All of Us Research Program, National Institutes of Health
Classification: Uncertain significance for Arrhythmogenic right ventricular cardiomyopathy. Last evaluated: 2024-06-11. Review status: criteria provided, single submitter. Criteria: ACMG Guidelines, 2015. Collection method: clinical testing. Allele origin: germline. Inheritance: Autosomal dominant inheritance. Observed: 4 variant alleles, 4 heterozygotes.
Comment: This missense variant replaces serine with cysteine at codon 329 of the PKP2 protein. Computational prediction suggests that this variant may not impact protein structure and function (internally defined REVEL score threshold <= 0.5, PMID: 27666373). To our knowledge, functional studies have not been reported for this variant. This variant has not been reported in individuals affected with cardiovascular disorders in the literature. This variant has been identified in 12/250014 chromosomes in the general population by the Genome Aggregation Database (gnomAD). The available evidence is insufficient to determine the role of this variant in disease conclusively. Therefore, this variant is classified as a Variant of Uncertain Significance.

This study involves interpretation of variants in research participants for the purpose of population health screening. Participant phenotype was not available at the time of variant classification. Additional details can be found in publication PMID: 35346344, PMCID: PMC8962531

Color Diagnostics, LLC DBA Color Health
Classification: Uncertain significance for Cardiomyopathy. Last evaluated: 2024-02-07. Review status: criteria provided, single submitter. Criteria: ACMG Guidelines, 2015. Collection method: clinical testing. Allele origin: germline.
Comment: This missense variant replaces serine with cysteine at codon 329 of the PKP2 protein. Computational prediction suggests that this variant may not impact protein structure and function (internally defined REVEL score threshold <= 0.5, PMID: 27666373). To our knowledge, functional studies have not been reported for this variant. This variant has not been reported in individuals affected with cardiovascular disorders in the literature. This variant has been identified in 12/250014 chromosomes in the general population by the Genome Aggregation Database (gnomAD). The available evidence is insufficient to determine the role of this variant in disease conclusively. Therefore, this variant is classified as a Variant of Uncertain Significance.